The following is an entry in ClinVar:

NM_015662.3(IFT172):c.*2T>C

Genes: IFT172 (intraflagellar transport 172; minus strand), KRTCAP3 (keratinocyte associated protein 3; plus strand). Cytogenetic location: 2p23.3.
Variant type: single nucleotide variant.
Coding change: c.*2T>C on transcript NM_015662.3 (MANE Select); 2 bases downstream of the stop codon, T replaced by C.
Molecular consequence: 3 prime UTR variant. On other transcripts: intron variant (1).
Genome position (GRCh38, 1-based): chr2:27,444,430, A>G on the plus strand (T>C on the coding strand, the complement: IFT172 is on the minus strand). VCF-style: chr2-27444430-A-G. GRCh37 (hg19) VCF-style: chr2-27667297-A-G.
Other names: c.*2T>C (NM_001410739.1); c.*5+369A>G (NM_001168364.2).
Identifiers: ClinVar variation 379412 (VCV000379412.6), dbSNP rs4803, ClinGen allele CA1579311.

ClinVar aggregate classification (germline): Benign. Review status: criteria provided, multiple submitters, no conflicts (2 of 4 stars). 5 submissions from 5 submitters: Benign (5). Last evaluated 2024-11-26.

Conditions:
Retinal dystrophy. Also called: Inherited retinal dystrophy. Identifiers: Orphanet 71862, MedGen C0854723, MeSH D058499, MONDO:0019118, HP:0000556.

Allele frequency attached by ClinVar (database versions not stated): gnomAD 0.47361 and 0.46698; ESP Exome Variant Server 0.47909; 1000 Genomes Project 0.45407; TOPMed 0.47527; gnomAD exomes 0.41528; ExAC 0.44030; 1000 Genomes Project 30x 0.46268.
gnomAD v4.1: 640,497 of 1,597,070 alleles (40%); highest among the groups gnomAD compares: African/African-American, 67%; 134,840 homozygotes.

Submissions (5):

Blueprint Genetics
Classification: Benign. Last evaluated: 2024-11-26. Review status: criteria provided, single submitter. Criteria: ACMG Guidelines, 2015. Collection method: clinical testing. Allele origin: germline.

Dept Of Ophthalmology, Nagoya University
Classification: Benign for Retinal dystrophy. Last evaluated: 2023-10-01. Review status: criteria provided, single submitter. Criteria: Submitter's publication. Collection method: research. Allele origin: germline. Affected: yes.

Mayo Clinic Laboratories, Mayo Clinic
Classification: Benign. Last evaluated: 2022-03-09. Review status: criteria provided, single submitter. Criteria: ACMG Guidelines, 2015. Collection method: clinical testing. Allele origin: germline. Observed: 50 variant alleles.

GeneDx
Classification: Benign. Last evaluated: 2016-01-08. Review status: criteria provided, single submitter. Criteria: GeneDx Variant Classification (06012015). Collection method: clinical testing. Allele origin: germline. Affected: yes.
Comment: This variant is considered likely benign or benign based on one or more of the following criteria: it is a conservative change, it occurs at a poorly conserved position in the protein, it is predicted to be benign by multiple in silico algorithms, and/or has population frequency not consistent with disease.

Breakthrough Genomics
Classification: Benign. Review status: criteria provided, single submitter. Criteria: ACMG Guidelines, 2015. Collection method: not provided. Allele origin: germline. Inheritance: Autosomal recessive inheritance. Affected: yes.